The following is an entry in ClinVar:

ClinVar aggregate classification (germline): Benign/Likely benign. Review status: criteria provided, multiple submitters, no conflicts (2 of 4 stars). 5 submissions from 5 submitters: Benign (2); Likely benign (2). 1 of the submissions does not count toward it. Last evaluated 2026-02-04.

Conditions:
Autosomal recessive limb-girdle muscular dystrophy type 2A (LGMDR1). Also called: LEYDEN-MOEBIUS MUSCULAR DYSTROPHY; MUSCULAR DYSTROPHY, PELVOFEMORAL; Muscular dystrophy, limb-girdle, type 2A, Amish; Calpainopathy; Limb-girdle muscular dystrophy, type 2A. Identifiers: Orphanet 267, MedGen C1869123, MONDO:0009675, OMIM 253600. Disease mechanism: loss of function.

Allele frequency attached by ClinVar (database versions not stated): TOPMed 0.00005; gnomAD 0.00006 and 0.00026; ESP Exome Variant Server 0.00008; gnomAD exomes 0.00034 and 0.00063; ExAC 0.00070; 1000 Genomes Project 30x 0.00234; 1000 Genomes Project 0.00260.
gnomAD v4.1: 543 of 1,613,690 alleles (0.034%); highest among the groups gnomAD compares: South Asian, 0.52%; 8 homozygotes.

Submissions (5):

Labcorp Genetics (formerly Invitae), Labcorp
Classification: Benign for Autosomal recessive limb-girdle muscular dystrophy type 2A. Last evaluated: 2026-02-04. Review status: criteria provided, single submitter. Criteria: Invitae Variant Classification Sherloc (09022015). Collection method: clinical testing. Allele origin: germline.

Blueprint Genetics
Classification: Likely benign. Last evaluated: 2024-10-15. Review status: criteria provided, single submitter. Criteria: ACMG Guidelines, 2015. Collection method: clinical testing. Allele origin: germline.

GeneDx
Classification: Likely benign. Last evaluated: 2018-01-29. Review status: criteria provided, single submitter. Criteria: GeneDx Variant Classification (06012015). Collection method: clinical testing. Allele origin: germline. Affected: yes.
Comment: This variant is considered likely benign or benign based on one or more of the following criteria: it is a conservative change, it occurs at a poorly conserved position in the protein, it is predicted to be benign by multiple in silico algorithms, and/or has population frequency not consistent with disease.

Eurofins Ntd Llc (ga)
Classification: Benign. Last evaluated: 2016-05-31. Review status: criteria provided, single submitter. Criteria: EGL Classification Definitions 2015. Collection method: clinical testing. Allele origin: germline. Observed: 1 variant allele, 1 heterozygote.

Natera, Inc.
Classification: Likely benign for Limb-girdle muscular dystrophy type 2A. Last evaluated: 2019-12-09. Review status: no assertion criteria provided. Collection method: clinical testing. Allele origin: germline. Not counted in ClinVar's aggregate classification.

NM_000070.3(CAPN3):c.1017G>A (p.Thr339=)

Gene: CAPN3 (calpain 3; plus strand). Cytogenetic location: 15q15.1.
Variant type: single nucleotide variant.
Coding change: c.1017G>A on transcript NM_000070.3 (MANE Select); coding-DNA position 1017, G replaced by A.
Protein change: p.Thr339=; no amino-acid change (threonine 339 retained).
Molecular consequence: synonymous variant.
Genome position (GRCh38, 1-based): chr15:42,392,710, G>A. VCF-style: chr15-42392710-G-A. GRCh37 (hg19) VCF-style: chr15-42684908-G-A.
Other names: c.1017G>A, p.Thr339= (NM_024344.2); c.873G>A, p.Thr291= (NM_173087.2).
Identifiers: ClinVar variation 288393 (VCV000288393.18), dbSNP rs141934227, ClinGen allele CA7511219.
Genomic context (GRCh38, chr15:42,392,710, plus strand): 5'-GGTTCAGTATGAGACAAGAATGGCCTGCGGGCTGGTCAGAGGTCACGCCTACTCTGTCAC[G>A]GGGCTGGATGAGGTAAGCCTGGTGGGGCTTGGTGGGGCAAGGGCACCCTCCTGGGTTAAC-3'
Protein context (NP_000061.1, residues 329-349): GLVRGHAYSV[Thr339=]GLDEVPFKGE